The following is an entry in ClinVar:

NM_005097.4(LGI1):c.1158_1168dup (p.Thr390delinsLysTer)

Gene: LGI1 (leucine rich glioma inactivated 1; plus strand). Cytogenetic location: 10q23.33.
Variant type: Duplication.
Coding change: c.1158_1168dup on transcript NM_005097.4 (MANE Select); coding-DNA positions 1158 to 1168, 11 bases duplicated (AATAGTCAGAA).
Protein change: p.Thr390delinsLysTer.
Molecular consequence: nonsense. On other transcripts: non-coding transcript variant (1), intron variant (1).
Genome position (GRCh38, 1-based): chr10:93,797,287-93,797,297, AATAGTCAGAA duplicated; duplicating any 11 consecutive bases within chr10:93,797,286-93,797,297 gives the same sequence; the c. name uses the placement nearest the transcript's 3' end. VCF-style (leftmost placement, unchanged base first): chr10-93797285-G-GAAATAGTCAGA. GRCh37 (hg19) VCF-style: chr10-95557042-G-GAAATAGTCAGA.
Other names: c.1014_1024dup, p.Thr342delinsLysTer (NM_001308276.2); c.839-462_839-452dup (NM_001308275.2).
Identifiers: ClinVar variation 533337 (VCV000533337.10), dbSNP rs1554907767, ClinGen allele CA658797519.
Genomic context (GRCh38, chr10:93,797,285, plus strand): 5'-GGATTCTACTCCCATCAATCCTTACACGCGTGGTACAGGGACACTGATGTGGAATATCTA[G>GAAATAGTCAGA]AAATAGTCAGAACACCTCAGACACTCAGAACGCCTCATTTAATTCTGTCTAGTAGTTCCC-3'

ClinVar aggregate classification (germline): Pathogenic (1 of 4 stars; one submission).

Conditions:
Autosomal dominant epilepsy with auditory features. Identifiers: Orphanet 101046, MedGen C1838062, MONDO:0010898.

Submission:

Labcorp Genetics (formerly Invitae), Labcorp
Classification: Pathogenic for Autosomal dominant epilepsy with auditory features. Last evaluated: 2020-03-06. Review status: criteria provided, single submitter. Criteria: Invitae Variant Classification Sherloc (09022015). Collection method: clinical testing. Allele origin: germline.
Comment: For these reasons, this variant has been classified as Pathogenic. A different truncation (p.Ile547Asnfs*8) that lies downstream of this variant has been determined to be likely pathogenic (PMID: 11810107, 18711109, 15857855). This suggests that deletion of this region of the LGI1 protein is causative of disease. This variant has not been reported in the literature in individuals with LGI1-related disease. This variant is not present in population databases (ExAC no frequency). This sequence change results in a premature translational stop signal in the LGI1 gene (p.Thr390Lysfs*2). While this is not anticipated to result in nonsense mediated decay, it is expected to disrupt the last 168 amino acids of the LGI1 protein.

Literature cited by the submitters: PubMed 11810107; PubMed 18711109; PubMed 15857855.